The following is an entry in ClinVar:

NM_017534.6(MYH2):c.298C>G (p.Pro100Ala)

Genes: MYH2 (myosin heavy chain 2; minus strand), MYHAS (myosin heavy chain gene cluster antisense RNA; plus strand). Cytogenetic location: 17p13.1.
Variant type: single nucleotide variant.
Coding change: c.298C>G on transcript NM_017534.6 (MANE Select); coding-DNA position 298, C replaced by G.
Protein change: p.Pro100Ala; replaces proline 100 with alanine.
Molecular consequence: missense variant.
Genome position (GRCh38, 1-based): chr17:10,547,525, G>C on the plus strand (C>G on the coding strand, the complement: MYH2 is on the minus strand). VCF-style: chr17-10547525-G-C. GRCh37 (hg19) VCF-style: chr17-10450842-G-C.
Other names: c.298C>G, p.Pro100Ala (NM_001100112.2); short protein forms P100A.
Identifiers: ClinVar variation 3710240 (VCV003710240.2).

ClinVar aggregate classification (germline): Uncertain significance (1 of 4 stars; one submission).

Conditions:
Myopathy, proximal, and ophthalmoplegia (CMYO6). Also called: INCLUSION BODY MYOPATHY 3, AUTOSOMAL DOMINANT; MYOPATHY WITH CONGENITAL JOINT CONTRACTURES, OPHTHALMOPLEGIA, AND RIMMED VACUOLES; CONGENITAL MYOPATHY 6 WITH OPHTHALMOPLEGIA. Identifiers: Orphanet 363677, Orphanet 79091, MedGen C1854106, MONDO:0011577, OMIM 605637.

gnomAD v4.1: 12 of 1,614,000 alleles (0.00074%); highest among the groups gnomAD compares: Non-Finnish European, 0.001%; no homozygotes.

Submission:

Labcorp Genetics (formerly Invitae), Labcorp
Classification: Uncertain significance for Myopathy, proximal, and ophthalmoplegia. Last evaluated: 2024-06-23. Review status: criteria provided, single submitter. Criteria: Invitae Variant Classification Sherloc (09022015). Collection method: clinical testing. Allele origin: germline.
Comment: This sequence change replaces proline, which is neutral and non-polar, with alanine, which is neutral and non-polar, at codon 100 of the MYH2 protein (p.Pro100Ala). This variant is not present in population databases (gnomAD no frequency). This variant has not been reported in the literature in individuals affected with MYH2-related conditions. An algorithm developed to predict the effect of missense changes on protein structure and function (PolyPhen-2) suggests that this variant is likely to be tolerated. In summary, the available evidence is currently insufficient to determine the role of this variant in disease. Therefore, it has been classified as a Variant of Uncertain Significance.